The following is an entry in ClinVar:

NM_001080414.4(CCDC88C):c.5378C>G (p.Ala1793Gly)

Gene: CCDC88C (coiled-coil and HOOK domain protein 88C; minus strand). Cytogenetic location: 14q32.11.
Variant type: single nucleotide variant.
Coding change: c.5378C>G on transcript NM_001080414.4 (MANE Select); coding-DNA position 5378, C replaced by G.
Protein change: p.Ala1793Gly; replaces alanine 1793 with glycine.
Molecular consequence: missense variant.
Genome position (GRCh38, 1-based): chr14:91,273,334, G>C on the plus strand (C>G on the coding strand, the complement: CCDC88C is on the minus strand). VCF-style: chr14-91273334-G-C. GRCh37 (hg19) VCF-style: chr14-91739678-G-C.
Other names: short protein forms A1793G.
Identifiers: ClinVar variation 2644452 (VCV002644452.24), dbSNP rs945447694, ClinGen allele CA265518079.

ClinVar aggregate classification (germline): Conflicting classifications of pathogenicity. Review status: criteria provided, conflicting classifications (1 of 4 stars). 2 submissions from 2 submitters: Uncertain significance (1); Likely benign (1). Last evaluated 2024-09-20.

Conditions:
Hydrocephalus, nonsyndromic, autosomal recessive 1 (HYC1). Also called: Hydrocephalus, nonsyndromic, autosomal recessive; Congenital hydrocephalus 1. Identifiers: Orphanet 2185, MedGen C3887608, MONDO:0009360, OMIM 236600.

Allele frequency attached by ClinVar (database versions not stated): gnomAD 0.00004.
gnomAD v4.1: 13 of 1,548,536 alleles (0.00084%); highest among the groups gnomAD compares: African/African-American, 0.011%; no homozygotes.

Submissions (2):

3billion
Classification: Likely benign for Hydrocephalus, nonsyndromic, autosomal recessive 1. Last evaluated: 2024-09-20. Review status: criteria provided, single submitter. Criteria: ACMG Guidelines, 2015. Collection method: clinical testing. Allele origin: germline. Affected: no.
Comment: The homozygous variant was found in patients diagnosed with another variant in a different gene, with no symptoms related to the gene containing the homozygous variant.

CeGaT Center for Human Genetics Tuebingen
Classification: Uncertain significance. Last evaluated: 2023-02-01. Review status: criteria provided, single submitter. Criteria: CeGaT Center For Human Genetics Tuebingen Variant Classification Criteria Version 2. Collection method: clinical testing. Allele origin: germline. Affected: yes. Observed: 1 variant allele.
Comment: CCDC88C: PM2, BP4